The following is an entry in ClinVar:

ClinVar aggregate classification (germline): Uncertain significance (1 of 4 stars; one submission).

Conditions:
FRAS1-related disorder. Also called: FRAS1-related condition.

gnomAD v4.1: 17 of 1,609,890 alleles (0.0011%); highest among the groups gnomAD compares: African/African-American, 0.019%; no homozygotes.

Submission:

PreventionGenetics, part of Exact Sciences
Classification: Uncertain significance for FRAS1-related condition. Last evaluated: 2022-08-23. Review status: criteria provided, single submitter. Criteria: ACMG Guidelines, 2015. Collection method: clinical testing. Allele origin: germline.
Comment: The FRAS1 c.3190C>A variant is predicted to result in the amino acid substitution p.Arg1064Ser. To our knowledge, this variant has not been reported in the literature. This variant is reported in 0.027% of alleles in individuals of African descent in gnomAD. At this time, the clinical significance of this variant is uncertain due to the absence of conclusive functional and genetic evidence.

NM_025074.7(FRAS1):c.3190C>A (p.Arg1064Ser)

Gene: FRAS1 (Fraser extracellular matrix complex subunit 1; plus strand). Cytogenetic location: 4q21.21.
Variant type: single nucleotide variant.
Coding change: c.3190C>A on transcript NM_025074.7 (MANE Select); coding-DNA position 3190, C replaced by A.
Protein change: p.Arg1064Ser; replaces arginine 1064 with serine.
Molecular consequence: missense variant.
Genome position (GRCh38, 1-based): chr4:78,375,777, C>A. VCF-style: chr4-78375777-C-A. GRCh37 (hg19) VCF-style: chr4-79296931-C-A.
Other names: c.3190C>A, p.Arg1064Ser (NM_001166133.2); short protein forms R1064S.
Identifiers: ClinVar variation 2628839 (VCV002628839.1), dbSNP rs375063448, ClinGen allele CA2976866.
Genomic context (GRCh38, chr4:78,375,777, plus strand): 5'-TTAGTGTTTCCTTTTTTAATAGCCTGCCCTCAGGGGTGCTTGCAGTGCAGCCACAGGGAC[C>A]GTTGTCACCTCTGTGACCATGGGTTCTTTCTGAAGAGTGGCCTCTGTGTTTACAACTGTG-3'
Protein context (NP_079350.5, residues 1054-1074): QGCLQCSHRD[Arg1064Ser]CHLCDHGFFL